The following is an entry in ClinVar:

ClinVar aggregate classification (germline): Likely pathogenic. Review status: criteria provided, single submitter (1 of 4 stars). 2 submissions from 1 submitter: Likely pathogenic (1). 1 of the submissions does not count toward it. Last evaluated 2024-03-17.

Conditions:
Isolated microphthalmia 5. Also called: Posterior Microphthalmia with Retinitis Pigmentosa, Foveoschisis, and Optic Disc Drusen. Identifiers: Orphanet 251279, MedGen C1970236, MONDO:0012605, OMIM 611040.

gnomAD v4.1: 1 of 1,614,104 alleles (0.000062%); no homozygotes.

Submissions (2):

Genomic Medicine Center of Excellence, King Faisal Specialist Hospital and Research Centre
Classification: Likely pathogenic for Isolated microphthalmia 5. Last evaluated: 2024-03-17. Review status: criteria provided, single submitter. Criteria: ACMG Guidelines, 2015. Collection method: research. Allele origin: germline.

Genomic Medicine Center of Excellence, King Faisal Specialist Hospital and Research Centre
Classification: Likely pathogenic. Review status: flagged submission. Criteria: ACMG Guidelines, 2015. Collection method: research. Allele origin: germline. Affected: yes. Not counted in ClinVar's aggregate classification.
ClinVar note: Reason: This record appears to be redundant with a more recent record from the same submitter.
ClinVar note: Notes: SCV000221399 appears to be redundant with SCV004805157.

NM_031433.4(MFRP):c.574G>C (p.Glu192Gln)

Genes: C1QTNF5 (C1q and TNF related 5; minus strand), MFRP (membrane frizzled-related protein; minus strand). Cytogenetic location: 11q23.3.
Variant type: single nucleotide variant.
Coding change: c.574G>C on transcript NM_031433.4 (MANE Select); coding-DNA position 574, G replaced by C.
Protein change: p.Glu192Gln; replaces glutamic acid 192 with glutamine.
Molecular consequence: missense variant. On other transcripts: 5 prime UTR variant (1).
Genome position (GRCh38, 1-based): chr11:119,345,487, C>G on the plus strand (G>C on the coding strand, the complement: MFRP is on the minus strand). VCF-style: chr11-119345487-C-G. GRCh37 (hg19) VCF-style: chr11-119216197-C-G.
Other names: c.-2063G>C (NM_015645.5); short protein forms E192Q.
Identifiers: ClinVar variation 191027 (VCV000191027.5), dbSNP rs786205472, ClinGen allele CA017195.